The following is an entry in ClinVar:

NM_024665.7(TBL1XR1):c.277C>G (p.Gln93Glu)

Gene: TBL1XR1 (TBL1X/Y related 1; minus strand). Cytogenetic location: 3q26.32.
Variant type: single nucleotide variant.
Coding change: c.277C>G on transcript NM_024665.7 (MANE Select); coding-DNA position 277, C replaced by G.
Protein change: p.Gln93Glu; replaces glutamine 93 with glutamic acid.
Molecular consequence: missense variant.
Genome position (GRCh38, 1-based): chr3:177,051,654, G>C on the plus strand (C>G on the coding strand, the complement: TBL1XR1 is on the minus strand). VCF-style: chr3-177051654-G-C. GRCh37 (hg19) VCF-style: chr3-176769442-G-C.
Other names: c.16C>G, p.Gln6Glu (NM_001321195.3, NM_001374330.1); c.277C>G, p.Gln93Glu (NM_001374327.1, NM_001374328.1, NM_001374329.1 and 2 more transcripts); short protein forms Q93E, Q6E.
Identifiers: ClinVar variation 2719189 (VCV002719189.3), dbSNP rs2108497178, ClinGen allele CA355553356.

ClinVar aggregate classification (germline): Uncertain significance (1 of 4 stars; one submission).

Conditions:
Pierpont syndrome (PRPTS). Identifiers: Orphanet 487825, MedGen C1865644, MONDO:0011213, OMIM 602342.

Submission:

Labcorp Genetics (formerly Invitae), Labcorp
Classification: Uncertain significance for Pierpont syndrome. Last evaluated: 2023-06-19. Review status: criteria provided, single submitter. Criteria: Invitae Variant Classification Sherloc (09022015). Collection method: clinical testing. Allele origin: germline.
Comment: This variant has not been reported in the literature in individuals affected with TBL1XR1-related conditions. Advanced modeling of protein sequence and biophysical properties (such as structural, functional, and spatial information, amino acid conservation, physicochemical variation, residue mobility, and thermodynamic stability) performed at Invitae indicates that this missense variant is not expected to disrupt TBL1XR1 protein function. In summary, the available evidence is currently insufficient to determine the role of this variant in disease. Therefore, it has been classified as a Variant of Uncertain Significance. This variant is not present in population databases (gnomAD no frequency). This sequence change replaces glutamine, which is neutral and polar, with glutamic acid, which is acidic and polar, at codon 93 of the TBL1XR1 protein (p.Gln93Glu).